The following is an entry in ClinVar:

NM_032888.4(COL27A1):c.4369-2_4369-1del

Gene: COL27A1 (collagen type XXVII alpha 1 chain; plus strand). Cytogenetic location: 9q32.
Variant type: Deletion.
Coding change: c.4369-2_4369-1del on transcript NM_032888.4 (MANE Select); the canonical splice acceptor site of the intron before coding-DNA position 4369, 2 bases deleted (AG; older notation c.4369-2_4369-1delAG).
Molecular consequence: splice acceptor variant.
Genome position (GRCh38, 1-based): chr9:114,290,808-114,290,809, AG deleted. VCF-style (leftmost placement, unchanged base first): chr9-114290807-CAG-C. GRCh37 (hg19) VCF-style: chr9-117053087-CAG-C.
Identifiers: ClinVar variation 1068191 (VCV001068191.7), dbSNP rs2131627071, ClinGen allele CA2499219585.

ClinVar aggregate classification (germline): Likely pathogenic (1 of 4 stars; one submission).

Allele frequency attached by ClinVar (database versions not stated): gnomAD exomes below 0.00001.

Submission:

Labcorp Genetics (formerly Invitae), Labcorp
Classification: Likely pathogenic. Last evaluated: 2020-03-31. Review status: criteria provided, single submitter. Criteria: Invitae Variant Classification Sherloc (09022015). Collection method: clinical testing. Allele origin: germline.
Comment: In summary, the currently available evidence indicates that the variant is pathogenic, but additional data are needed to prove that conclusively. Therefore, this variant has been classified as Likely Pathogenic. Donor and acceptor splice site variants typically lead to a loss of protein function (PMID: 16199547), and loss-of-function variants in COL27A1 are known to be pathogenic (PMID: 24986830, 28276056). Algorithms developed to predict the effect of sequence changes on RNA splicing suggest that this variant may disrupt the consensus splice site, but this prediction has not been confirmed by published transcriptional studies. This variant has not been reported in the literature in individuals with COL27A1-related conditions. This variant is not present in population databases (ExAC no frequency). This sequence change affects an acceptor splice site in intron 47 of the COL27A1 gene. It is expected to disrupt RNA splicing and likely results in an absent or disrupted protein product.

Literature cited by the submitters: PubMed 16199547; PubMed 24986830; PubMed 28276056.